The following is an entry in ClinVar:

NM_001378457.1(DMXL2):c.642A>C (p.Glu214Asp)

Gene: DMXL2 (Dmx like 2; minus strand). Cytogenetic location: 15q21.2.
Variant type: single nucleotide variant.
Coding change: c.642A>C on transcript NM_001378457.1 (MANE Select); coding-DNA position 642, A replaced by C.
Protein change: p.Glu214Asp; replaces glutamic acid 214 with aspartic acid.
Molecular consequence: missense variant. On other transcripts: non-coding transcript variant (2).
Genome position (GRCh38, 1-based): chr15:51,547,334, T>G on the plus strand (A>C on the coding strand, the complement: DMXL2 is on the minus strand). VCF-style: chr15-51547334-T-G. GRCh37 (hg19) VCF-style: chr15-51839531-T-G.
Other names: c.642A>C, p.Glu214Asp (NM_001174116.3, NM_001174117.3, NM_001378458.1 and 7 more transcripts); short protein forms E214D.
Identifiers: ClinVar variation 2186261 (VCV002186261.1), dbSNP rs768492156, ClinGen allele CA7562771.

ClinVar aggregate classification (germline): Uncertain significance (1 of 4 stars; one submission).

Allele frequency attached by ClinVar (database versions not stated): ExAC 0.00001; gnomAD exomes 0.00001; TOPMed 0.00001.
gnomAD v4.1: 3 of 1,612,900 alleles (0.00019%); highest among the groups gnomAD compares: Admixed American, 0.005%; no homozygotes.

Submission:

Labcorp Genetics (formerly Invitae), Labcorp
Classification: Uncertain significance. Last evaluated: 2022-06-05. Review status: criteria provided, single submitter. Criteria: Invitae Variant Classification Sherloc (09022015). Collection method: clinical testing. Allele origin: germline.
Comment: This sequence change replaces glutamic acid, which is acidic and polar, with aspartic acid, which is acidic and polar, at codon 214 of the DMXL2 protein (p.Glu214Asp). This variant is present in population databases (rs768492156, gnomAD 0.009%). This variant has not been reported in the literature in individuals affected with DMXL2-related conditions. Algorithms developed to predict the effect of missense changes on protein structure and function (SIFT, PolyPhen-2, Align-GVGD) all suggest that this variant is likely to be tolerated. In summary, the available evidence is currently insufficient to determine the role of this variant in disease. Therefore, it has been classified as a Variant of Uncertain Significance.